The following is an entry in ClinVar:

NM_024577.4(SH3TC2):c.*3034A>C

Gene: SH3TC2 (SH3 domain and tetratricopeptide repeats 2; minus strand). Cytogenetic location: 5q32.
Variant type: single nucleotide variant.
Coding change: c.*3034A>C on transcript NM_024577.4 (MANE Select); 3034 bases downstream of the stop codon, A replaced by C.
Molecular consequence: 3 prime UTR variant.
Genome position (GRCh38, 1-based): chr5:149,001,677, T>G on the plus strand (A>C on the coding strand, the complement: SH3TC2 is on the minus strand). VCF-style: chr5-149001677-T-G. GRCh37 (hg19) VCF-style: chr5-148381240-T-G.
Identifiers: ClinVar variation 906127 (VCV000906127.4), dbSNP rs547028114, ClinGen allele CA128992683.

ClinVar aggregate classification (germline): Conflicting classifications of pathogenicity. Review status: criteria provided, conflicting classifications (1 of 4 stars). 2 submissions from 1 submitter: Uncertain significance (1); Benign (1). Last evaluated 2018-03-23.

Conditions:
Susceptibility to mononeuropathy of the median nerve, mild. Also called: CARPAL TUNNEL SYNDROME, SUSCEPTIBILITY TO. Identifiers: MedGen C3150596, MONDO:0013237, OMIM 613353.
Charcot-Marie-Tooth disease type 4C (CMT4C). Also called: CHARCOT-MARIE-TOOTH DISEASE, DEMYELINATING, TYPE 4C; SH3TC2-Related Hereditary Motor and Sensory Neuropathy; Charcot-Marie-Tooth Neuropathy Type 4C (CMT4C); CHARCOT-MARIE-TOOTH DISEASE, DEMYELINATING, AUTOSOMAL RECESSIVE, TYPE 4C; CMT 4C. Identifiers: Orphanet 99949, MedGen C1866636, MONDO:0011113, OMIM 601596.

Allele frequency attached by ClinVar (database versions not stated): TOPMed 0.00002; gnomAD 0.00003 and 0.00011; 1000 Genomes Project 30x 0.00109; 1000 Genomes Project 0.00120.

Submissions (2):

Illumina Laboratory Services, Illumina
Classification: Uncertain significance for Charcot-Marie-Tooth disease type 4C. Last evaluated: 2018-03-23. Review status: criteria provided, single submitter. Criteria: ICSL Variant Classification Criteria 13 December 2019. Collection method: clinical testing. Allele origin: germline.

Illumina Laboratory Services, Illumina
Classification: Benign for Susceptibility to mononeuropathy of the median nerve, mild. Last evaluated: 2018-03-20. Review status: criteria provided, single submitter. Criteria: ICSL Variant Classification Criteria 13 December 2019. Collection method: clinical testing. Allele origin: germline.
Comment: This variant was observed in the ICSL laboratory as part of a predisposition screen in an ostensibly healthy population. It had not been previously curated by ICSL or reported in the Human Gene Mutation Database (HGMD: prior to June 1st, 2018), and was therefore a candidate for classification through an automated scoring system. Utilizing variant allele frequency, disease prevalence and penetrance estimates, and inheritance mode, an automated score was calculated to assess if this variant is too frequent to cause the disease. Based on the score and internal cut-off values, a variant classified as benign is not then subjected to further curation. The score for this variant resulted in a classification of benign for this disease.